The following is an entry in ClinVar:

ClinVar aggregate classification (germline): Uncertain significance (1 of 4 stars; one submission).

Conditions:
Catecholaminergic polymorphic ventricular tachycardia 1. Also called: RYR2-Related Catecholaminergic Polymorphic Ventricular Tachycardia; VENTRICULAR TACHYCARDIA, STRESS-INDUCED POLYMORPHIC 1; VENTRICULAR TACHYCARDIA, CATECHOLAMINERGIC POLYMORPHIC, 1, WITH OR WITHOUT ATRIAL DYSFUNCTION AND/OR DILATED CARDIOMYOPATHY. Identifiers: Orphanet 3286, MedGen C1631597, MONDO:0011484, OMIM 604772.

Submission:

Labcorp Genetics (formerly Invitae), Labcorp
Classification: Uncertain significance for Catecholaminergic polymorphic ventricular tachycardia 1. Last evaluated: 2022-05-27. Review status: criteria provided, single submitter. Criteria: Invitae Variant Classification Sherloc (09022015). Collection method: clinical testing. Allele origin: germline.
Comment: This variant has not been reported in the literature in individuals affected with TRDN-related conditions. This variant is not present in population databases (gnomAD no frequency). This sequence change replaces aspartic acid, which is acidic and polar, with glutamic acid, which is acidic and polar, at codon 265 of the TRDN protein (p.Asp265Glu). In summary, the available evidence is currently insufficient to determine the role of this variant in disease. Therefore, it has been classified as a Variant of Uncertain Significance. Algorithms developed to predict the effect of missense changes on protein structure and function are either unavailable or do not agree on the potential impact of this missense change (SIFT: "Tolerated"; PolyPhen-2: "Probably Damaging"; Align-GVGD: "Class C0").

NM_006073.4(TRDN):c.795T>A (p.Asp265Glu)

Gene: TRDN (triadin; minus strand). Cytogenetic location: 6q22.31.
Variant type: single nucleotide variant.
Coding change: c.795T>A on transcript NM_006073.4 (MANE Select); coding-DNA position 795, T replaced by A.
Protein change: p.Asp265Glu; replaces aspartic acid 265 with glutamic acid.
Molecular consequence: missense variant. On other transcripts: intron variant (1).
Genome position (GRCh38, 1-based): chr6:123,497,251, A>T on the plus strand (T>A on the coding strand, the complement: TRDN is on the minus strand). VCF-style: chr6-123497251-A-T. GRCh37 (hg19) VCF-style: chr6-123818396-A-T.
Other names: c.795T>A, p.Asp265Glu (NM_001251987.2); c.793+6468T>A (NM_001256020.2); short protein forms D265E.
Identifiers: ClinVar variation 2097288 (VCV002097288.4), dbSNP rs1476684874, ClinGen allele CA365567368.
Genomic context (GRCh38, chr6:123,497,251, plus strand): 5'-ACCTGGTTTTAAATCCCCATGGACAAATATGTCAATCATATATCGACAGAATGCATACTG[A>T]TCTGACAGAGTAGAAAGAAAAAGAGCAATGAAAAAATGTCATCAACACTTCATTTTTCTA-3'
Protein context (NP_006064.2, residues 255-275): KAAVSKHEQK[Asp265Glu]QYAFCRYMID